The following is an entry in ClinVar:

ClinVar aggregate classification (germline): Uncertain significance (1 of 4 stars; one submission).

Conditions:
Charcot-Marie-Tooth disease type 2. Also called: Charcot-Marie-Tooth type 2. Identifiers: Orphanet 64746, MedGen C0270914, MONDO:0018993.

Allele frequency attached by ClinVar (database versions not stated): gnomAD exomes below 0.00001; TOPMed below 0.00001.
gnomAD v4.1: 1 of 1,612,622 alleles (0.000062%); highest among the groups gnomAD compares: Non-Finnish European, 0.000085%; no homozygotes.

Submission:

Labcorp Genetics (formerly Invitae), Labcorp
Classification: Uncertain significance for Charcot-Marie-Tooth disease type 2. Last evaluated: 2022-05-17. Review status: criteria provided, single submitter. Criteria: Invitae Variant Classification Sherloc (09022015). Collection method: clinical testing. Allele origin: germline.
Comment: This variant is not present in population databases (gnomAD no frequency). This sequence change replaces isoleucine, which is neutral and non-polar, with methionine, which is neutral and non-polar, at codon 267 of the GARS protein (p.Ile267Met). This variant has not been reported in the literature in individuals affected with GARS-related conditions. In summary, the available evidence is currently insufficient to determine the role of this variant in disease. Therefore, it has been classified as a Variant of Uncertain Significance. Algorithms developed to predict the effect of missense changes on protein structure and function output the following: SIFT: "Tolerated"; PolyPhen-2: "Benign"; Align-GVGD: "Class C0". The methionine amino acid residue is found in multiple mammalian species, which suggests that this missense change does not adversely affect protein function.

NM_002047.4(GARS1):c.801T>G (p.Ile267Met)

Gene: GARS1 (glycyl-tRNA synthetase 1; plus strand). Cytogenetic location: 7p14.3.
Variant type: single nucleotide variant.
Coding change: c.801T>G on transcript NM_002047.4 (MANE Select); coding-DNA position 801, T replaced by G.
Protein change: p.Ile267Met; replaces isoleucine 267 with methionine.
Molecular consequence: missense variant.
Genome position (GRCh38, 1-based): chr7:30,609,650, T>G. VCF-style: chr7-30609650-T-G. GRCh37 (hg19) VCF-style: chr7-30649266-T-G.
Other names: c.639T>G, p.Ile213Met (NM_001316772.1); short protein forms I213M, I267M.
Identifiers: ClinVar variation 2419297 (VCV002419297.6), dbSNP rs1018278927, ClinGen allele CA156049014.